The following is an entry in ClinVar:

ClinVar aggregate classification (germline): Conflicting classifications of pathogenicity. Review status: criteria provided, conflicting classifications (1 of 4 stars). 4 submissions from 4 submitters: Uncertain significance (3); Likely benign (1). Last evaluated 2026-09-09.

Conditions:
Inborn genetic diseases. Identifiers: MedGen C0950123, MeSH D030342.

Allele frequency attached by ClinVar (database versions not stated): ExAC 0.00001; gnomAD exomes 0.00003.
gnomAD v4.1: 38 of 1,611,456 alleles (0.0024%); highest among the groups gnomAD compares: Non-Finnish European, 0.003%; no homozygotes.

Submissions (4):

Ambry Genetics
Classification: Uncertain significance for Inborn genetic diseases. Last evaluated: 2026-09-09. Review status: criteria provided, single submitter. Criteria: Ambry Variant Classification Scheme 2023. Collection method: clinical testing. Allele origin: germline.
Comment: The c.2812C>T (p.R938C) alteration is located in exon 13 (coding exon 13) of the CHD8 gene. This alteration results from a C to T substitution at nucleotide position 2812, causing the arginine (R) at amino acid position 938 to be replaced by a cysteine (C). Based on data from gnomAD, the T allele has an overall frequency of 0.002% (5/243956) total alleles studied. The highest observed frequency was 0.006% (1/17638) of East Asian alleles. Based on insufficient or conflicting evidence, the clinical significance of this alteration remains unclear.

Labcorp Genetics (formerly Invitae), Labcorp
Classification: Likely benign. Last evaluated: 2025-11-20. Review status: criteria provided, single submitter. Criteria: Invitae Variant Classification Sherloc (09022015). Collection method: clinical testing. Allele origin: germline.

CeGaT Center for Human Genetics Tuebingen
Classification: Uncertain significance. Last evaluated: 2024-10-01. Review status: criteria provided, single submitter. Criteria: CeGaT Center For Human Genetics Tuebingen Variant Classification Criteria Version 2. Collection method: clinical testing. Allele origin: germline. Affected: yes. Observed: 1 variant allele.
Comment: CHD8: PP2

GeneDx
Classification: Uncertain significance. Last evaluated: 2023-01-11. Review status: criteria provided, single submitter. Criteria: GeneDx Variant Classification Process June 2021. Collection method: clinical testing. Allele origin: germline. Affected: yes.
Comment: In silico analysis supports that this missense variant has a deleterious effect on protein structure/function; This variant is associated with the following publications: (PMID: 33004838)

NM_001170629.2(CHD8):c.2812C>T (p.Arg938Cys)

Gene: CHD8 (chromodomain helicase DNA binding protein 8; minus strand). Cytogenetic location: 14q11.2.
Variant type: single nucleotide variant.
Coding change: c.2812C>T on transcript NM_001170629.2 (MANE Select); coding-DNA position 2812, C replaced by T.
Protein change: p.Arg938Cys; replaces arginine 938 with cysteine.
Molecular consequence: missense variant.
Genome position (GRCh38, 1-based): chr14:21,406,951, G>A on the plus strand (C>T on the coding strand, the complement: CHD8 is on the minus strand). VCF-style: chr14-21406951-G-A. GRCh37 (hg19) VCF-style: chr14-21875110-G-A.
Other names: c.1975C>T, p.Arg659Cys (NM_020920.4); short protein forms R659C, R938C.
Identifiers: ClinVar variation 1796345 (VCV001796345.23), dbSNP rs763248373, ClinGen allele CA7091501.